The following is an entry in ClinVar:

ClinVar aggregate classification (germline): Pathogenic. Review status: criteria provided, multiple submitters, no conflicts (2 of 4 stars). 2 submissions from 2 submitters: Pathogenic (2). Last evaluated 2024-11-27.

Conditions:
ELANE-related disorders.
Neutropenia, severe congenital, 1, autosomal dominant. Identifiers: MedGen C1859966, MONDO:0042490, OMIM 202700.
Cyclical neutropenia. Also called: Cyclic Neutropenia; Cyclic hematopoiesis. Identifiers: Orphanet 2686, MedGen C0221023, MONDO:0008090, OMIM 162800, HP:0040289. Disease mechanism: loss of function.

Submissions (2):

Labcorp Genetics (formerly Invitae), Labcorp
Classification: Pathogenic for Neutropenia, severe congenital, 1, autosomal dominant; Cyclical neutropenia. Last evaluated: 2024-11-27. Review status: criteria provided, single submitter. Criteria: Invitae Variant Classification Sherloc (09022015). Collection method: clinical testing. Allele origin: germline.
Comment: This sequence change falls in intron 4 of the ELANE gene. It does not directly change the encoded amino acid sequence of the ELANE protein. RNA analysis indicates that this variant induces altered splicing and likely results in the loss of 10 amino acid residue(s), but is expected to preserve the integrity of the reading-frame. This variant is not present in population databases (gnomAD no frequency). This variant has been observed in individual(s) with ELANE-related neutropenia (PMID: 10581030, 24616599, 34340247). In at least one individual the variant was observed to be de novo. It has also been observed to segregate with disease in related individuals. Variants that disrupt the consensus splice site are a relatively common cause of aberrant splicing (PMID: 17576681, 9536098). Studies have shown that this variant results in the activation of a cryptic splice site in exon 4 (PMID: 10581030). For these reasons, this variant has been classified as Pathogenic.

Blueprint Genetics
Classification: Pathogenic for ELANE-related disorders. Last evaluated: 2023-10-02. Review status: criteria provided, single submitter. Criteria: ACMG Guidelines, 2015. Collection method: clinical testing. Allele origin: germline. Affected: yes. Observed: 1 variant allele.

Literature cited by the submitters: PubMed 10581030 (cited by Labcorp Genetics (formerly Invitae), Labcorp); PubMed 24616599 (cited by Labcorp Genetics (formerly Invitae), Labcorp); PubMed 34340247 (cited by Labcorp Genetics (formerly Invitae), Labcorp); PubMed 17576681 (cited by Labcorp Genetics (formerly Invitae), Labcorp); PubMed 9536098 (cited by Labcorp Genetics (formerly Invitae), Labcorp).

NM_001972.4(ELANE):c.597+1G>T

Gene: ELANE (elastase, neutrophil expressed; plus strand). Cytogenetic location: 19p13.3.
Variant type: single nucleotide variant.
Coding change: c.597+1G>T on transcript NM_001972.4 (MANE Select); the canonical splice donor site of the intron after coding-DNA position 597, G replaced by T.
Molecular consequence: splice donor variant.
Genome position (GRCh38, 1-based): chr19:855,795, G>T. VCF-style: chr19-855795-G-T. GRCh37 (hg19) VCF-style: chr19-855795-G-T.
Identifiers: ClinVar variation 3759509 (VCV003759509.3).